The following is an entry in ClinVar:

NM_000875.5(IGF1R):c.94+4765A>G

Gene: IGF1R (insulin like growth factor 1 receptor; plus strand). Cytogenetic location: 15q26.3.
Variant type: single nucleotide variant.
Coding change: c.94+4765A>G on transcript NM_000875.5 (MANE Select); 4765 bases into the intron after coding-DNA position 94, A replaced by G.
Molecular consequence: intron variant.
Genome position (GRCh38, 1-based): chr15:98,654,440, A>G. VCF-style: chr15-98654440-A-G. GRCh37 (hg19) VCF-style: chr15-99197669-A-G.
Other names: c.94+4765A>G (NM_001291858.2).
Identifiers: ClinVar variation 4056790 (VCV004056790.1).

ClinVar aggregate classification (germline): Uncertain significance (1 of 4 stars; one submission).

Conditions:
Growth delay due to insulin-like growth factor I resistance. Also called: Somatomedin end-organ insensitivity to; Somatomedin-c resistance to; IGF-1 resistance; IGF-I RESISTANCE; Insulin-Like Growth Factor I Resistance. Identifiers: Orphanet 73273, MedGen C1849157, MONDO:0010038, OMIM 270450.

gnomAD v4.1: 2 of 152,330 alleles (0.0013%); highest among the groups gnomAD compares: Admixed American, 0.0065%; no homozygotes.

Submission:

Laboratorio de Genetica e Diagnostico Molecular, Hospital Israelita Albert Einstein
Classification: Uncertain significance for Growth delay due to insulin-like growth factor I resistance. Last evaluated: 2023-10-11. Review status: criteria provided, single submitter. Criteria: ACMG Guidelines, 2015. Collection method: clinical testing. Allele origin: germline. Affected: yes.
Comment: ACMG classification criteria: PM2 moderate